The following is an entry in ClinVar:

NM_007294.4(BRCA1):c.1081T>G (p.Ser361Ala)

Gene: BRCA1 (BRCA1 DNA repair associated; minus strand). Cytogenetic location: 17q21.31.
Variant type: single nucleotide variant.
Coding change: c.1081T>G on transcript NM_007294.4 (MANE Select); coding-DNA position 1081, T replaced by G.
Protein change: p.Ser361Ala; replaces serine 361 with alanine.
Molecular consequence: missense variant. On other transcripts: intron variant (137).
Genome position (GRCh38, 1-based): chr17:43,094,450, A>C on the plus strand (T>G on the coding strand, the complement: BRCA1 is on the minus strand). VCF-style: chr17-43094450-A-C. GRCh37 (hg19) VCF-style: chr17-41246467-A-C.
Other names: c.937T>G, p.Ser313Ala (NM_001407843.1, NM_001407844.1, NM_001407845.1 and 20 more transcripts); c.643+294T>G (NM_001408465.1, NM_001408463.1, NM_001408462.1 and 3 more transcripts); c.577+294T>G (NM_001408482.1, NM_001408484.1, NM_001408478.1 and 9 more transcripts); c.520+294T>G (NM_001408504.1, NM_001408503.1, NM_001408505.1); c.523+294T>G (NM_001408499.1, NM_001408498.1, NM_001408501.1 and 3 more transcripts); c.670+1396T>G (NM_001408422.1, NM_001408418.1, NM_001408423.1 and 2 more transcripts); c.706+294T>G (NM_001408416.1, NM_001408413.1); c.940T>G, p.Ser314Ala (NM_001407850.1, NM_001407851.1, NM_001407852.1 and 29 more transcripts); and 40 more; short protein forms S314A, S361A, S250A, S291A, S293A, S313A, S65A, S193A.
Identifiers: ClinVar variation 1297678 (VCV001297678.7), dbSNP rs80356946, ClinGen allele CA10599897.

ClinVar aggregate classification (germline): Conflicting classifications of pathogenicity. Review status: criteria provided, conflicting classifications (1 of 4 stars). 4 submissions from 4 submitters: Uncertain significance (1); Likely benign (1). 2 of the submissions do not count toward it. Last evaluated 2025-10-30.

Conditions:
Hereditary cancer-predisposing syndrome. Also called: Tumor predisposition; Hereditary neoplastic syndrome; Neoplastic Syndromes, Hereditary; Hereditary Cancer Syndrome. Identifiers: Orphanet 140162, MedGen C0027672, MeSH D009386, MONDO:0015356.

Submissions (4):

Ambry Genetics
Classification: Uncertain significance for Hereditary cancer-predisposing syndrome. Last evaluated: 2025-10-30. Review status: criteria provided, single submitter. Criteria: Ambry Variant Classification Scheme 2023. Collection method: clinical testing. Allele origin: germline.
Comment: The p.S361A variant (also known as c.1081T>G), located in coding exon 9 of the BRCA1 gene, results from a T to G substitution at nucleotide position 1081. The serine at codon 361 is replaced by alanine, an amino acid with similar properties. This amino acid position is not well conserved in available vertebrate species. In addition, the in silico prediction for this alteration is inconclusive. Based on the available evidence, the clinical significance of this variant remains unclear.

University of Washington Department of Laboratory Medicine, University of Washington
Classification: Likely benign for Hereditary cancer-predisposing syndrome. Last evaluated: 2023-03-23. Review status: criteria provided, single submitter. Criteria: Dines et al. (Genet Med. 2020). Collection method: curation. Allele origin: germline.
Comment: Missense variant in a coldspot region where missense variants are very unlikely to be pathogenic (PMID:31911673).

BRCA1 coldspot (exon 11 using historical exon numbering). Reclassification based on statistical prior probability

Clinical Genetics DNA and cytogenetics Diagnostics Lab, Erasmus MC, Erasmus Medical Center
Classification: Likely benign. Review status: no assertion criteria provided. Collection method: clinical testing. Allele origin: germline. Affected: yes. Study: VKGL Data-share Consensus. Not counted in ClinVar's aggregate classification.

Joint Genome Diagnostic Labs from Nijmegen and Maastricht, Radboudumc and MUMC+
Classification: Likely benign. Review status: no assertion criteria provided. Collection method: clinical testing. Allele origin: germline. Affected: yes. Study: VKGL Data-share Consensus. Not counted in ClinVar's aggregate classification.